The following is an entry in ClinVar:

ClinVar aggregate classification (germline): Likely benign. Review status: criteria provided, multiple submitters, no conflicts (2 of 4 stars). 3 submissions from 3 submitters: Likely benign (3). Last evaluated 2026-01-28.

Conditions:
EIF2B4-related disorder. Also called: EIF2B4-related condition.

Allele frequency attached by ClinVar (database versions not stated): gnomAD exomes 0.00002 and 0.00005; ExAC 0.00008; TOPMed 0.00018; gnomAD 0.00019 and 0.00020; ESP Exome Variant Server 0.00023.
gnomAD v4.1: 58 of 1,614,116 alleles (0.0036%); highest among the groups gnomAD compares: African/African-American, 0.064%; no homozygotes.

Submissions (3):

Labcorp Genetics (formerly Invitae), Labcorp
Classification: Likely benign. Last evaluated: 2026-01-28. Review status: criteria provided, single submitter. Criteria: Invitae Variant Classification Sherloc (09022015). Collection method: clinical testing. Allele origin: germline.

PreventionGenetics, part of Exact Sciences
Classification: Likely benign for EIF2B4-related condition. Last evaluated: 2024-11-22. Review status: criteria provided, single submitter. Criteria: ACMG Guidelines, 2015. Collection method: clinical testing. Allele origin: germline.
Comment: This variant is classified as likely benign based on ACMG/AMP sequence variant interpretation guidelines (Richards et al. 2015 PMID: 25741868, with internal and published modifications).

Blueprint Genetics
Classification: Likely benign. Last evaluated: 2020-12-03. Review status: criteria provided, single submitter. Criteria: ACMG Guidelines, 2015. Collection method: clinical testing. Allele origin: germline.

NM_001034116.2(EIF2B4):c.1470T>C (p.Asp490=)

Genes: EIF2B4 (eukaryotic translation initiation factor 2B subunit delta; minus strand), GTF3C2-AS2 (GTF3C2 antisense RNA 2; plus strand). Cytogenetic location: 2p23.3.
Variant type: single nucleotide variant.
Coding change: c.1470T>C on transcript NM_001034116.2 (MANE Select); coding-DNA position 1470, T replaced by C.
Protein change: p.Asp490=; no amino-acid change (aspartic acid 490 retained).
Molecular consequence: synonymous variant.
Genome position (GRCh38, 1-based): chr2:27,364,502, A>G on the plus strand (T>C on the coding strand, the complement: EIF2B4 is on the minus strand). VCF-style: chr2-27364502-A-G. GRCh37 (hg19) VCF-style: chr2-27587369-A-G.
Other names: c.1533T>C, p.Asp511= (NM_001318965.2); c.1425T>C, p.Asp475= (NM_001318966.2); c.1377T>C, p.Asp459= (NM_001318967.2); c.885T>C, p.Asp295= (NM_001318968.2); c.852T>C, p.Asp284= (NM_001318969.2); c.1467T>C, p.Asp489= (NM_015636.4); c.1530T>C, p.Asp510= (NM_172195.4); c.1470T>C (NM_001034116.1).
Identifiers: ClinVar variation 1541743 (VCV001541743.10), dbSNP rs376099446, ClinGen allele CA1576567.
Genomic context (GRCh38, chr2:27,364,502, plus strand): 5'-ACTGCAAGGGATCATCCCCAGCTCCGTGATCACCAGATCCACAAGCTCTGGGGGAGTCAC[A>G]TCATAGACTAGATTCAACAACCGTAGGGATGCGTGGTTCTGCCAGTTAGCCAGCGCAACA-3'
Protein context (NP_001029288.1, residues 480-500): ASLRLLNLVY[Asp490=]VTPPELVDLV